The following is an entry in ClinVar:

ClinVar aggregate classification (germline): Uncertain significance (1 of 4 stars; one submission).

Submission:

Labcorp Genetics (formerly Invitae), Labcorp
Classification: Uncertain significance. Last evaluated: 2024-07-29. Review status: criteria provided, single submitter. Criteria: Invitae Variant Classification Sherloc (09022015). Collection method: clinical testing. Allele origin: germline.
Comment: This sequence change replaces glycine, which is neutral and non-polar, with alanine, which is neutral and non-polar, at codon 75 of the HPS5 protein (p.Gly75Ala). This variant is not present in population databases (gnomAD no frequency). This variant has not been reported in the literature in individuals affected with HPS5-related conditions. ClinVar contains an entry for this variant (Variation ID: 2126327). An algorithm developed to predict the effect of missense changes on protein structure and function (PolyPhen-2) suggests that this variant is likely to be disruptive. In summary, the available evidence is currently insufficient to determine the role of this variant in disease. Therefore, it has been classified as a Variant of Uncertain Significance.

NM_181507.2(HPS5):c.224G>C (p.Gly75Ala)

Gene: HPS5 (HPS5 biogenesis of lysosomal organelles complex 2 subunit 2; minus strand). Cytogenetic location: 11p15.1.
Variant type: single nucleotide variant.
Coding change: c.224G>C on transcript NM_181507.2 (MANE Select); coding-DNA position 224, G replaced by C.
Protein change: p.Gly75Ala; replaces glycine 75 with alanine.
Molecular consequence: missense variant. On other transcripts: 5 prime UTR variant (1).
Genome position (GRCh38, 1-based): chr11:18,311,447, C>G on the plus strand (G>C on the coding strand, the complement: HPS5 is on the minus strand). VCF-style: chr11-18311447-C-G. GRCh37 (hg19) VCF-style: chr11-18332994-C-G.
Other names: c.-119G>C (NM_181508.2, NM_007216.4); short protein forms G75A.
Identifiers: ClinVar variation 2126327 (VCV002126327.3), dbSNP rs2494207844, ClinGen allele CA379507279.
Genomic context (GRCh38, chr11:18,311,447, plus strand): 5'-CTGGTAGCTACAGCAACATAATCATCATCATGTAAACAACAGGCGACTTGAGAAATTGCA[C>G]CTTCCTAGAGCACAAAAGAAAATACATTTTTTAAATCTCAAGTTTTACATTATTATTATT-3'
Protein context (NP_852608.1, residues 65-85): KHRLFLSHRE[Gly75Ala]AISQVACCLH